The following is an entry in ClinVar:

ClinVar aggregate classification (germline): Uncertain significance. Review status: criteria provided, multiple submitters, no conflicts (2 of 4 stars). 2 submissions from 2 submitters: Uncertain significance (2). Last evaluated 2025-06-24.

Conditions:
Inborn genetic diseases. Identifiers: MedGen C0950123, MeSH D030342.

Allele frequency attached by ClinVar (database versions not stated): gnomAD exomes below 0.00001; ExAC 0.00001.

Submissions (2):

Ambry Genetics
Classification: Uncertain significance for Inborn genetic diseases. Last evaluated: 2025-06-24. Review status: criteria provided, single submitter. Criteria: Ambry Variant Classification Scheme 2023. Collection method: clinical testing. Allele origin: germline.
Comment: The p.K427E variant (also known as c.1279A>G), located in coding exon 5 of the MBD4 gene, results from an A to G substitution at nucleotide position 1279. The lysine at codon 427 is replaced by glutamic acid, an amino acid with similar properties. This amino acid position is conserved. In addition, this alteration is predicted to be deleterious by in silico analysis. Based on the available evidence, the clinical significance of this variant remains unclear.

Labcorp Genetics (formerly Invitae), Labcorp
Classification: Uncertain significance. Last evaluated: 2024-09-17. Review status: criteria provided, single submitter. Criteria: Invitae Variant Classification Sherloc (09022015). Collection method: clinical testing. Allele origin: germline.
Comment: This sequence change replaces lysine, which is basic and polar, with glutamic acid, which is acidic and polar, at codon 433 of the MBD4 protein (p.Lys433Glu). This variant is present in population databases (rs749184158, gnomAD 0.0009%). This variant has not been reported in the literature in individuals affected with MBD4-related conditions. An algorithm developed to predict the effect of missense changes on protein structure and function (PolyPhen-2) suggests that this variant is likely to be disruptive. In summary, the available evidence is currently insufficient to determine the role of this variant in disease. Therefore, it has been classified as a Variant of Uncertain Significance.

NM_001276270.2(MBD4):c.1279A>G (p.Lys427Glu)

Gene: MBD4 (methyl-CpG binding domain 4, DNA glycosylase; minus strand). Cytogenetic location: 3q21.3.
Variant type: single nucleotide variant.
Coding change: c.1279A>G on transcript NM_001276270.2 (MANE Select); coding-DNA position 1279, A replaced by G.
Protein change: p.Lys427Glu; replaces lysine 427 with glutamic acid.
Molecular consequence: missense variant.
Genome position (GRCh38, 1-based): chr3:129,433,964, T>C on the plus strand (A>G on the coding strand, the complement: MBD4 is on the minus strand). VCF-style: chr3-129433964-T-C. GRCh37 (hg19) VCF-style: chr3-129152807-T-C.
Other names: c.343A>G, p.Lys115Glu (NM_001276273.2); c.1297A>G, p.Lys433Glu (NM_003925.3, NM_001276271.2, NM_001276272.2); short protein forms K427E, K115E, K433E.
Identifiers: ClinVar variation 2840046 (VCV002840046.4), dbSNP rs749184158, ClinGen allele CA2605333.